The following is an entry in ClinVar:

NM_001482.3(GATM):c.4C>G (p.Leu2Val)

Genes: GATM (glycine amidinotransferase; minus strand), LOC130056991 (ATAC-STARR-seq lymphoblastoid silent region 6406; plus strand). Cytogenetic location: 15q21.1.
Variant type: single nucleotide variant.
Coding change: c.4C>G on transcript NM_001482.3 (MANE Select); coding-DNA position 4, C replaced by G.
Protein change: p.Leu2Val; replaces leucine 2 with valine.
Molecular consequence: missense variant. On other transcripts: intron variant (1).
Genome position (GRCh38, 1-based): chr15:45,378,450, G>C on the plus strand (C>G on the coding strand, the complement: GATM is on the minus strand). VCF-style: chr15-45378450-G-C. GRCh37 (hg19) VCF-style: chr15-45670648-G-C.
Other names: c.-318-1631C>G (NM_001321015.2); short protein forms L2V.
Identifiers: ClinVar variation 2005916 (VCV002005916.4), dbSNP rs753489854, ClinGen allele CA392266759.

ClinVar aggregate classification (germline): Uncertain significance (1 of 4 stars; one submission).

Conditions:
Arginine:glycine amidinotransferase deficiency (CCDS3). Also called: Creatine deficiency syndrome due to AGAT deficiency; GATM deficiency; Cerebral creatine deficiency syndrome 3; AGAT deficiency; L-Arginine:Glycine Amidinotransferase (AGAT) Deficiency; L-Arginine:Glycine Amidinotransferase Deficiency. Identifiers: Orphanet 35704, MedGen C2675179, MONDO:0012996, OMIM 612718.

Submission:

Labcorp Genetics (formerly Invitae), Labcorp
Classification: Uncertain significance for Arginine:glycine amidinotransferase deficiency. Last evaluated: 2023-05-15. Review status: criteria provided, single submitter. Criteria: Invitae Variant Classification Sherloc (09022015). Collection method: clinical testing. Allele origin: germline.
Comment: This sequence change replaces leucine, which is neutral and non-polar, with valine, which is neutral and non-polar, at codon 2 of the GATM protein (p.Leu2Val). In summary, the available evidence is currently insufficient to determine the role of this variant in disease. Therefore, it has been classified as a Variant of Uncertain Significance. An algorithm developed to predict the effect of missense changes on protein structure and function (PolyPhen-2) suggests that this variant is likely to be tolerated. ClinVar contains an entry for this variant (Variation ID: 2005916). This variant has not been reported in the literature in individuals affected with GATM-related conditions. This variant is not present in population databases (gnomAD no frequency).